The following is an entry in ClinVar:

ClinVar aggregate classification (germline): Uncertain significance (1 of 4 stars; one submission).

Allele frequency attached by ClinVar (database versions not stated): gnomAD exomes 0.00001.
gnomAD v4.1: 8 of 1,613,954 alleles (0.0005%); highest among the groups gnomAD compares: Non-Finnish European, 0.00068%; no homozygotes.

Submission:

Labcorp Genetics (formerly Invitae), Labcorp
Classification: Uncertain significance. Last evaluated: 2021-06-11. Review status: criteria provided, single submitter. Criteria: Invitae Variant Classification Sherloc (09022015). Collection method: clinical testing. Allele origin: germline.
Comment: This sequence change replaces lysine with glutamine at codon 1169 of the POLE protein (p.Lys1169Gln). The lysine residue is highly conserved and there is a small physicochemical difference between lysine and glutamine. This variant is not present in population databases (ExAC no frequency). In summary, the available evidence is currently insufficient to determine the role of this variant in disease. Therefore, it has been classified as a Variant of Uncertain Significance. Algorithms developed to predict the effect of missense changes on protein structure and function are either unavailable or do not agree on the potential impact of this missense change (SIFT: "Tolerated"; PolyPhen-2: "Possibly Damaging"; Align-GVGD: "Class C0"). This variant has not been reported in the literature in individuals with POLE-related conditions.

NM_006231.4(POLE):c.3505A>C (p.Lys1169Gln)

Gene: POLE (DNA polymerase epsilon, catalytic subunit; minus strand). Cytogenetic location: 12q24.33.
Variant type: single nucleotide variant.
Coding change: c.3505A>C on transcript NM_006231.4 (MANE Select); coding-DNA position 3505, A replaced by C.
Protein change: p.Lys1169Gln; replaces lysine 1169 with glutamine.
Molecular consequence: missense variant.
Genome position (GRCh38, 1-based): chr12:132,657,213, T>G on the plus strand (A>C on the coding strand, the complement: POLE is on the minus strand). VCF-style: chr12-132657213-T-G. GRCh37 (hg19) VCF-style: chr12-133233799-T-G.
Other names: short protein forms K1169Q.
Identifiers: ClinVar variation 969729 (VCV000969729.8), dbSNP rs2042563240, ClinGen allele CA387388616.